The following is an entry in ClinVar:

NM_000135.4(FANCA):c.2936C>G (p.Ala979Gly)

Gene: FANCA (FA complementation group A; minus strand). Cytogenetic location: 16q24.3.
Variant type: single nucleotide variant.
Coding change: c.2936C>G on transcript NM_000135.4 (MANE Select); coding-DNA position 2936, C replaced by G.
Protein change: p.Ala979Gly; replaces alanine 979 with glycine.
Molecular consequence: missense variant.
Genome position (GRCh38, 1-based): chr16:89,758,622, G>C on the plus strand (C>G on the coding strand, the complement: FANCA is on the minus strand). VCF-style: chr16-89758622-G-C. GRCh37 (hg19) VCF-style: chr16-89825030-G-C.
Other names: c.2936C>G, p.Ala979Gly (NM_001286167.3); short protein forms A979G.
Identifiers: ClinVar variation 1998332 (VCV001998332.1), dbSNP rs2143224586, ClinGen allele CA397431166.

ClinVar aggregate classification (germline): Uncertain significance (1 of 4 stars; one submission).

Conditions:
Fanconi anemia (FA). Also called: Fanconi's anemia. Identifiers: Orphanet 84, MedGen C0015625, MeSH D005199, MONDO:0019391.

Allele frequency attached by ClinVar (database versions not stated): gnomAD exomes below 0.00001.

Submission:

Labcorp Genetics (formerly Invitae), Labcorp
Classification: Uncertain significance for Fanconi anemia. Last evaluated: 2022-05-24. Review status: criteria provided, single submitter. Criteria: Invitae Variant Classification Sherloc (09022015). Collection method: clinical testing. Allele origin: germline.
Comment: This sequence change replaces alanine, which is neutral and non-polar, with glycine, which is neutral and non-polar, at codon 979 of the FANCA protein (p.Ala979Gly). This variant is not present in population databases (gnomAD no frequency). This variant has not been reported in the literature in individuals affected with FANCA-related conditions. Advanced modeling of protein sequence and biophysical properties (such as structural, functional, and spatial information, amino acid conservation, physicochemical variation, residue mobility, and thermodynamic stability) performed at Invitae indicates that this missense variant is not expected to disrupt FANCA protein function. Algorithms developed to predict the effect of sequence changes on RNA splicing suggest that this variant may disrupt the consensus splice site. In summary, the available evidence is currently insufficient to determine the role of this variant in disease. Therefore, it has been classified as a Variant of Uncertain Significance.